The following is an entry in ClinVar:

NM_000789.4(ACE):c.1325G>A (p.Arg442His)

Gene: ACE (angiotensin I converting enzyme; plus strand). Cytogenetic location: 17q23.3.
Variant type: single nucleotide variant.
Coding change: c.1325G>A on transcript NM_000789.4 (MANE Select); coding-DNA position 1325, G replaced by A.
Protein change: p.Arg442His; replaces arginine 442 with histidine.
Molecular consequence: missense variant.
Genome position (GRCh38, 1-based): chr17:63,482,672, G>A. VCF-style: chr17-63482672-G-A. GRCh37 (hg19) VCF-style: chr17-61560033-G-A.
Other names: p.Arg442His; short protein forms R442H.
Identifiers: ClinVar variation 789095 (VCV000789095.15), dbSNP rs35865660, ClinGen allele CA8699476.

ClinVar aggregate classification (germline): Benign/Likely benign. Review status: criteria provided, multiple submitters, no conflicts (2 of 4 stars). 5 submissions from 5 submitters: Benign (2); Likely benign (2). 1 of the submissions does not count toward it. Last evaluated 2025-12-21.

Conditions:
ACE-related disorder. Also called: ACE-related condition; ACE-related disorders.

Allele frequency attached by ClinVar (database versions not stated): 1000 Genomes Project 0.00399; gnomAD 0.00444 and 0.00473; 1000 Genomes Project 30x 0.00484; TOPMed 0.00542; ESP Exome Variant Server 0.00600.
gnomAD v4.1: 1,422 of 1,613,814 alleles (0.088%); highest among the groups gnomAD compares: African/African-American, 1.4%; 8 homozygotes.

Submissions (5):

Labcorp Genetics (formerly Invitae), Labcorp
Classification: Benign. Last evaluated: 2025-12-21. Review status: criteria provided, single submitter. Criteria: Invitae Variant Classification Sherloc (09022015). Collection method: clinical testing. Allele origin: germline.

Mayo Clinic Laboratories, Mayo Clinic
Classification: Likely benign. Last evaluated: 2025-06-20. Review status: criteria provided, single submitter. Criteria: ACMG Guidelines, 2015. Collection method: clinical testing. Allele origin: germline. Observed: 1 variant allele.
Comment: BS1, BP4_moderate

Blueprint Genetics
Classification: Likely benign. Last evaluated: 2024-11-17. Review status: criteria provided, single submitter. Criteria: ACMG Guidelines, 2015. Collection method: clinical testing. Allele origin: germline.

Breakthrough Genomics
Classification: Benign. Review status: criteria provided, single submitter. Criteria: ACMG Guidelines, 2015. Collection method: not provided. Allele origin: germline. Inheritance: Autosomal recessive inheritance. Affected: yes.

PreventionGenetics, part of Exact Sciences
Classification: Benign for ACE-related condition. Last evaluated: 2020-11-30. Review status: no assertion criteria provided. Collection method: clinical testing. Allele origin: germline. Not counted in ClinVar's aggregate classification.
Comment: This variant is classified as benign based on ACMG/AMP sequence variant interpretation guidelines (Richards et al. 2015 PMID: 25741868, with internal and published modifications).